The following is an entry in ClinVar:

ClinVar aggregate classification (germline): Likely pathogenic (1 of 4 stars; one submission).

Conditions:
Alagille syndrome due to a JAG1 point mutation. Also called: HEPATIC DUCTULAR HYPOPLASIA, SYNDROMATIC; JAG1-Related Alagille Syndrome; Alagille Syndrome 1. Identifiers: Orphanet 261619, Orphanet 52, MedGen C1956125, MONDO:0016862, OMIM 118450.

Submission:

3billion
Classification: Likely pathogenic for Alagille syndrome due to a JAG1 point mutation. Last evaluated: 2025-01-18. Review status: criteria provided, single submitter. Criteria: ACMG Guidelines, 2015. Collection method: clinical testing. Allele origin: germline. Affected: yes.
Comment: The variant is not observed in the gnomAD v4.1.0 dataset. Predicted Consequence/Location: Stop-gained (nonsense): predicted to result in a loss or disruption of normal protein function through nonsense-mediated decay (NMD) or protein truncation. Multiple pathogenic variants are reported downstream of the variant. Therefore, this variant is classified as Likely pathogenic according to the recommendation of ACMG/AMP guideline.

NM_000214.3(JAG1):c.2849_2850del (p.Thr949_Ser950insTer)

Gene: JAG1 (jagged canonical Notch ligand 1; minus strand). Cytogenetic location: 20p12.2.
Variant type: Microsatellite.
Coding change: c.2849_2850del on transcript NM_000214.3 (MANE Select); coding-DNA positions 2849 to 2850, 2 bases deleted (CT; older notation c.2849_2850delCT).
Protein change: p.Thr949_Ser950insTer.
Molecular consequence: nonsense.
Genome position (GRCh38, 1-based): chr20:10,641,526-10,641,527, AG deleted on the plus strand (CT on the coding strand, the reverse complement: JAG1 is on the minus strand); deleting any 2 consecutive bases within chr20:10,641,526-10,641,529 gives the same sequence; the c. name uses the placement nearest the transcript's 3' end. VCF-style (leftmost placement, unchanged base first): chr20-10641525-CAG-C. GRCh37 (hg19) VCF-style: chr20-10622173-CAG-C.
Identifiers: ClinVar variation 4293179 (VCV004293179.1).